The following is an entry in ClinVar:

NM_000321.3(RB1):c.514A>G (p.Ile172Val)

Gene: RB1 (RB transcriptional corepressor 1; plus strand). Cytogenetic location: 13q14.2.
Variant type: single nucleotide variant.
Coding change: c.514A>G on transcript NM_000321.3 (MANE Select); coding-DNA position 514, A replaced by G.
Protein change: p.Ile172Val; replaces isoleucine 172 with valine.
Molecular consequence: missense variant.
Genome position (GRCh38, 1-based): chr13:48,347,838, A>G. VCF-style: chr13-48347838-A-G. GRCh37 (hg19) VCF-style: chr13-48921974-A-G.
Other names: short protein forms I172V.
Identifiers: ClinVar variation 1056846 (VCV001056846.11), dbSNP rs2138091600, ClinGen allele CA388156805.

ClinVar aggregate classification (germline): Uncertain significance. Review status: criteria provided, multiple submitters, no conflicts (2 of 4 stars). 2 submissions from 2 submitters: Uncertain significance (2). Last evaluated 2024-05-01.

Conditions:
Retinoblastoma (RB1). Also called: RETINOBLASTOMA, SOMATIC. Identifiers: Orphanet 790, MedGen C0035335, MeSH D012175, MONDO:0008380, OMIM 180200, HP:0009919. Disease mechanism: loss of function. Inheritance: Both sporadic and heritable forms are tested..
Hereditary cancer-predisposing syndrome. Also called: Hereditary Cancer Syndrome; Tumor predisposition; Hereditary neoplastic syndrome; Neoplastic Syndromes, Hereditary. Identifiers: Orphanet 140162, MedGen C0027672, MeSH D009386, MONDO:0015356.

Allele frequency attached by ClinVar (database versions not stated): gnomAD exomes below 0.00001.
gnomAD v4.1: 4 of 1,594,372 alleles (0.00025%); highest among the groups gnomAD compares: South Asian, 0.0033%; no homozygotes.

Submissions (2):

Labcorp Genetics (formerly Invitae), Labcorp
Classification: Uncertain significance for Retinoblastoma. Last evaluated: 2024-05-01. Review status: criteria provided, single submitter. Criteria: Invitae Variant Classification Sherloc (09022015). Collection method: clinical testing. Allele origin: germline.
Comment: This sequence change replaces isoleucine, which is neutral and non-polar, with valine, which is neutral and non-polar, at codon 172 of the RB1 protein (p.Ile172Val). This variant is not present in population databases (gnomAD no frequency). This variant has not been reported in the literature in individuals affected with RB1-related conditions. ClinVar contains an entry for this variant (Variation ID: 1056846). Advanced modeling of protein sequence and biophysical properties (such as structural, functional, and spatial information, amino acid conservation, physicochemical variation, residue mobility, and thermodynamic stability) performed at Invitae indicates that this missense variant is not expected to disrupt RB1 protein function with a negative predictive value of 80%. In summary, the available evidence is currently insufficient to determine the role of this variant in disease. Therefore, it has been classified as a Variant of Uncertain Significance.

Ambry Genetics
Classification: Uncertain significance for Hereditary cancer-predisposing syndrome. Last evaluated: 2024-04-25. Review status: criteria provided, single submitter. Criteria: Ambry Variant Classification Scheme 2023. Collection method: clinical testing. Allele origin: germline.
Comment: The p.I172V variant (also known as c.514A>G), located in coding exon 5 of the RB1 gene, results from an A to G substitution at nucleotide position 514. The isoleucine at codon 172 is replaced by valine, an amino acid with highly similar properties. This amino acid position is highly conserved in available vertebrate species. In addition, the in silico prediction for this alteration is inconclusive. Since supporting evidence is limited at this time, the clinical significance of this alteration remains unclear.